The following is an entry in ClinVar:

ClinVar aggregate classification (germline): Uncertain significance (1 of 4 stars; one submission).

Conditions:
Hereditary cancer-predisposing syndrome. Also called: Neoplastic Syndromes, Hereditary; Tumor predisposition; Hereditary neoplastic syndrome; Hereditary Cancer Syndrome. Identifiers: Orphanet 140162, MedGen C0027672, MeSH D009386, MONDO:0015356.

Submission:

Ambry Genetics
Classification: Uncertain significance for Hereditary cancer-predisposing syndrome. Last evaluated: 2019-08-22. Review status: criteria provided, single submitter. Criteria: Ambry Variant Classification Scheme 2023. Collection method: clinical testing. Allele origin: germline.
Comment: The p.S1610C variant (also known as c.4828A>T), located in coding exon 15 of the APC gene, results from an A to T substitution at nucleotide position 4828. The serine at codon 1610 is replaced by cysteine, an amino acid with dissimilar properties. This amino acid position is highly conserved in available vertebrate species. In addition, in silico predictors for this gene do not accurately predict pathogenicity. Since supporting evidence is limited at this time, the clinical significance of this alteration remains unclear.

NM_000038.6(APC):c.4828A>T (p.Ser1610Cys)

Gene: APC (APC regulator of Wnt signaling pathway; plus strand). Cytogenetic location: 5q22.2.
Variant type: single nucleotide variant.
Coding change: c.4828A>T on transcript NM_000038.6 (MANE Select); coding-DNA position 4828, A replaced by T.
Protein change: p.Ser1610Cys; replaces serine 1610 with cysteine.
Molecular consequence: missense variant.
Genome position (GRCh38, 1-based): chr5:112,840,422, A>T. VCF-style: chr5-112840422-A-T. GRCh37 (hg19) VCF-style: chr5-112176119-A-T.
Other names: c.4828A>T, p.Ser1610Cys (NM_001127510.3, NM_001354895.2); c.4774A>T, p.Ser1592Cys (NM_001127511.3); c.4882A>T, p.Ser1628Cys (NM_001354896.2); c.4858A>T, p.Ser1620Cys (NM_001354897.2); c.4753A>T, p.Ser1585Cys (NM_001354898.2); c.4744A>T, p.Ser1582Cys (NM_001354899.2); c.4705A>T, p.Ser1569Cys (NM_001354900.2); c.4651A>T, p.Ser1551Cys (NM_001354901.2); and 5 more; short protein forms S1450C, S1484C, S1519C, S1327C, S1610C, S1509C, S1569C, S1582C.
Identifiers: ClinVar variation 825211 (VCV000825211.4), dbSNP rs587781512, ClinGen allele CA16031910.